The following is an entry in ClinVar:

ClinVar aggregate classification (germline): Uncertain significance (1 of 4 stars; one submission).

gnomAD v4.1: 2 of 1,613,792 alleles (0.00012%); highest among the groups gnomAD compares: Non-Finnish European, 0.00017%; no homozygotes.

Submission:

Women's Health and Genetics/Laboratory Corporation of America, LabCorp
Classification: Uncertain significance. Last evaluated: 2025-03-25. Review status: criteria provided, single submitter. Criteria: LabCorp Variant Classification Summary - May 2015. Collection method: clinical testing. Allele origin: germline.
Comment: Variant summary: TYR c.953T>C (p.Val318Ala) results in a non-conservative amino acid change in the encoded protein sequence. Five of five in-silico tools predict a damaging effect of the variant on protein function. The variant was absent in 251154 control chromosomes. c.953T>C has been reported in the literature in the homozygous and compound heterozygous state in individuals affected with Oculocutaneous Albinism and in at least one individual with retinal disease with unknown zygosity (Mauri_2017, Karali_2022). These data indicate that the variant may be associated with disease. To our knowledge, no experimental evidence demonstrating an impact on protein function has been reported. The following publications have been ascertained in the context of this evaluation (PMID: 36460718, 27734839). No submitters have cited clinical-significance assessments for this variant to ClinVar. Based on the evidence outlined above, the variant was classified as VUS-possibly pathogenic.

Literature cited by the submitters: PubMed 27734839; PubMed 36460718.

NM_000372.5(TYR):c.953T>C (p.Val318Ala)

Gene: TYR (tyrosinase; plus strand). Cytogenetic location: 11q14.3.
Variant type: single nucleotide variant.
Coding change: c.953T>C on transcript NM_000372.5 (MANE Select); coding-DNA position 953, T replaced by C.
Protein change: p.Val318Ala; replaces valine 318 with alanine.
Molecular consequence: missense variant.
Genome position (GRCh38, 1-based): chr11:89,191,335, T>C. VCF-style: chr11-89191335-T-C. GRCh37 (hg19) VCF-style: chr11-88924503-T-C.
Other names: short protein forms V318A.
Identifiers: ClinVar variation 3895968 (VCV003895968.1).